The following is an entry in ClinVar:

ClinVar aggregate classification (germline): Likely benign (1 of 4 stars; one submission).

Submission:

CeGaT Center for Human Genetics Tuebingen
Classification: Likely benign. Last evaluated: 2025-06-01. Review status: criteria provided, single submitter. Criteria: CeGaT Center For Human Genetics Tuebingen Variant Classification Criteria Version 2. Collection method: clinical testing. Allele origin: germline. Affected: yes. Observed: 1 variant allele.
Comment: HYDIN: BP4, BS1

NM_001270974.2(HYDIN):c.5627G>A (p.Arg1876Gln)

Gene: HYDIN (HYDIN axonemal central pair apparatus protein; minus strand). Cytogenetic location: 16q22.2.
Variant type: single nucleotide variant.
Coding change: c.5627G>A on transcript NM_001270974.2 (MANE Select); coding-DNA position 5627, G replaced by A.
Protein change: p.Arg1876Gln; replaces arginine 1876 with glutamine.
Molecular consequence: missense variant.
Genome position (GRCh38, 1-based): chr16:70,964,889, C>T on the plus strand (G>A on the coding strand, the complement: HYDIN is on the minus strand). VCF-style: chr16-70964889-C-T. GRCh37 (hg19) VCF-style: chr16-70998792-C-T.
Other names: short protein forms R1876Q.
Identifiers: ClinVar variation 4083696 (VCV004083696.8).